The following is an entry in ClinVar:

NM_020911.2(PLXNA4):c.3918C>T (p.Asp1306=)

Gene: PLXNA4 (plexin A4; minus strand). Cytogenetic location: 7q32.3.
Variant type: single nucleotide variant.
Coding change: c.3918C>T on transcript NM_020911.2 (MANE Select); coding-DNA position 3918, C replaced by T.
Protein change: p.Asp1306=; no amino-acid change (aspartic acid 1306 retained).
Molecular consequence: synonymous variant.
Genome position (GRCh38, 1-based): chr7:132,174,877, G>A on the plus strand (C>T on the coding strand, the complement: PLXNA4 is on the minus strand). VCF-style: chr7-132174877-G-A. GRCh37 (hg19) VCF-style: chr7-131859636-G-A.
Other names: c.3918C>T, p.Asp1306= (NM_001393897.1).
Identifiers: ClinVar variation 3353253 (VCV003353253.1).

ClinVar aggregate classification (germline): Likely benign (0 of 4 stars; one submission).

Conditions:
PLXNA4-related disorder. Also called: PLXNA4-related condition.

gnomAD v4.1: 1 of 1,614,194 alleles (0.000062%); highest among the groups gnomAD compares: Admixed American, 0.0017%; no homozygotes.

Submission:

PreventionGenetics, part of Exact Sciences
Classification: Likely benign for PLXNA4-related condition. Last evaluated: 2022-06-03. Review status: no assertion criteria provided. Collection method: clinical testing. Allele origin: germline.
Comment: This variant is classified as likely benign based on ACMG/AMP sequence variant interpretation guidelines (Richards et al. 2015 PMID: 25741868, with internal and published modifications).